The following is an entry in ClinVar:

NM_177438.3(DICER1):c.4405C>T (p.Leu1469Phe)

Gene: DICER1 (dicer 1, ribonuclease III; minus strand). Cytogenetic location: 14q32.13.
Variant type: single nucleotide variant.
Coding change: c.4405C>T on transcript NM_177438.3 (MANE Select); coding-DNA position 4405, C replaced by T.
Protein change: p.Leu1469Phe; replaces leucine 1469 with phenylalanine.
Molecular consequence: missense variant.
Genome position (GRCh38, 1-based): chr14:95,096,515, G>A on the plus strand (C>T on the coding strand, the complement: DICER1 is on the minus strand). VCF-style: chr14-95096515-G-A. GRCh37 (hg19) VCF-style: chr14-95562852-G-A.
Other names: c.4405C>T, p.Leu1469Phe (NM_001195573.1, NM_001271282.3, NM_001291628.2 and 1 more transcripts); short protein forms L1469F.
Identifiers: ClinVar variation 663273 (VCV000663273.11), dbSNP rs766194200, ClinGen allele CA390868795.

ClinVar aggregate classification (germline): Uncertain significance. Review status: criteria provided, multiple submitters, no conflicts (2 of 4 stars). 2 submissions from 2 submitters: Uncertain significance (2). Last evaluated 2023-02-20.

Conditions:
Hereditary cancer-predisposing syndrome. Also called: Neoplastic Syndromes, Hereditary; Hereditary neoplastic syndrome; Tumor predisposition; Hereditary Cancer Syndrome. Identifiers: Orphanet 140162, MedGen C0027672, MeSH D009386, MONDO:0015356.
DICER1-related tumor predisposition. Also called: DICER1 syndrome; DICER1-related pleuropulmonary blastoma cancer predisposition syndrome. Identifiers: Orphanet 284343, MedGen C3839822, MONDO:0100216.

Submissions (2):

Ambry Genetics
Classification: Uncertain significance for Hereditary cancer-predisposing syndrome. Last evaluated: 2023-02-20. Review status: criteria provided, single submitter. Criteria: Ambry Variant Classification Scheme 2023. Collection method: clinical testing. Allele origin: germline.
Comment: The p.L1469F variant (also known as c.4405C>T), located in coding exon 22 of the DICER1 gene, results from a C to T substitution at nucleotide position 4405. The leucine at codon 1469 is replaced by phenylalanine, an amino acid with highly similar properties. This amino acid position is conserved. In addition, this alteration is predicted to be deleterious by in silico analysis. Since supporting evidence is limited at this time, the clinical significance of this alteration remains unclear.

Labcorp Genetics (formerly Invitae), Labcorp
Classification: Uncertain significance for DICER1-related tumor predisposition. Last evaluated: 2022-02-18. Review status: criteria provided, single submitter. Criteria: Invitae Variant Classification Sherloc (09022015). Collection method: clinical testing. Allele origin: germline.
Comment: Algorithms developed to predict the effect of missense changes on protein structure and function are either unavailable or do not agree on the potential impact of this missense change (SIFT: "Deleterious"; PolyPhen-2: "Probably Damaging"; Align-GVGD: "Class C0"). ClinVar contains an entry for this variant (Variation ID: 663273). This variant has not been reported in the literature in individuals affected with DICER1-related conditions. This variant is not present in population databases (gnomAD no frequency). This sequence change replaces leucine, which is neutral and non-polar, with phenylalanine, which is neutral and non-polar, at codon 1469 of the DICER1 protein (p.Leu1469Phe). In summary, the available evidence is currently insufficient to determine the role of this variant in disease. Therefore, it has been classified as a Variant of Uncertain Significance.